The following is an entry in ClinVar:

ClinVar aggregate classification (germline): Uncertain significance (1 of 4 stars; one submission).

Conditions:
Epidermolysis bullosa simplex with nail dystrophy (EBS5D). Identifiers: MedGen C4225309, MONDO:0014661, OMIM 616487.
Epidermolysis bullosa simplex, Ogna type (EBS5A). Also called: EPIDERMOLYSIS BULLOSA SIMPLEX 5A, OGNA TYPE; Pidermolysis bullosa simplex 5A, Ogna type. Identifiers: Orphanet 79401, MedGen C0432317, MONDO:0007555, OMIM 131950.
Autosomal recessive limb-girdle muscular dystrophy type 2Q (LGMDR17). Also called: MUSCULAR DYSTROPHY, LIMB-GIRDLE, AUTOSOMAL RECESSIVE 17. Identifiers: Orphanet 254361, MedGen C3150989, MONDO:0013390, OMIM 613723.
Epidermolysis bullosa simplex 5B, with muscular dystrophy (EBS5B). Also called: EPIDERMOLYSIS BULLOSA SIMPLEX AND LIMB-GIRDLE MUSCULAR DYSTROPHY; Epidermolysis bullosa simplex with muscular dystrophy. Identifiers: Orphanet 257, MedGen C2931072, MONDO:0009181, OMIM 226670.
Epidermolysis bullosa simplex 5C, with pyloric atresia (EBS5C). Also called: PLEC-Related Epidermolysis Bullosa with Pyloric Atresia; Epidermolysis bullosa simplex with pyloric atresia; PLEC1-Related Epidermolysis Bullosa with Pyloric Atresia. Identifiers: Orphanet 158684, MedGen C2677349, MONDO:0012807, OMIM 612138.

gnomAD v4.1: 5 of 1,545,196 alleles (0.00032%); highest among the groups gnomAD compares: Non-Finnish European, 0.00026%; no homozygotes.

Submission:

Labcorp Genetics (formerly Invitae), Labcorp
Classification: Uncertain significance for Autosomal recessive limb-girdle muscular dystrophy type 2Q; Epidermolysis bullosa simplex, Ogna type; Epidermolysis bullosa simplex with nail dystrophy; Epidermolysis bullosa simplex 5C, with pyloric atresia; Epidermolysis bullosa simplex 5B, with muscular dystrophy. Last evaluated: 2025-06-22. Review status: criteria provided, single submitter. Criteria: Invitae Variant Classification Sherloc (09022015). Collection method: clinical testing. Allele origin: germline.
Comment: This sequence change replaces valine, which is neutral and non-polar, with alanine, which is neutral and non-polar, at codon 2102 of the PLEC protein (p.Val2102Ala). The frequency data for this variant in the population databases is considered unreliable, as metrics indicate poor data quality at this position in the gnomAD database. This variant has not been reported in the literature in individuals affected with PLEC-related conditions. An algorithm developed to predict the effect of missense changes on protein structure and function (PolyPhen-2) suggests that this variant is likely to be tolerated. In summary, the available evidence is currently insufficient to determine the role of this variant in disease. Therefore, it has been classified as a Variant of Uncertain Significance.

NM_201384.3(PLEC):c.6224T>C (p.Val2075Ala)

Gene: PLEC (plectin; minus strand). Cytogenetic location: 8q24.3.
Variant type: single nucleotide variant.
Coding change: c.6224T>C on transcript NM_201384.3 (MANE Select); coding-DNA position 6224, T replaced by C.
Protein change: p.Val2075Ala; replaces valine 2075 with alanine.
Molecular consequence: missense variant. On other transcripts: intron variant (1).
Genome position (GRCh38, 1-based): chr8:143,923,705, A>G on the plus strand (T>C on the coding strand, the complement: PLEC is on the minus strand). VCF-style: chr8-143923705-A-G. GRCh37 (hg19) VCF-style: chr8-144997873-A-G.
Other names: c.6305T>C, p.Val2102Ala (NM_000445.5); c.6182T>C, p.Val2061Ala (NM_201378.4); c.6158T>C, p.Val2053Ala (NM_201379.3); c.6635T>C, p.Val2212Ala (NM_201380.4); c.6128T>C, p.Val2043Ala (NM_201381.3); c.6224T>C, p.Val2075Ala (NM_201382.4); c.6236T>C, p.Val2079Ala (NM_201383.3); c.4126-1310T>C (NM_001410941.1); short protein forms V2053A, V2061A, V2043A, V2079A, V2102A, V2212A, V2075A.
Identifiers: ClinVar variation 4787975 (VCV004787975.1).